The following is an entry in ClinVar:

ClinVar aggregate classification (germline): Likely benign. Review status: criteria provided, multiple submitters, no conflicts (2 of 4 stars). 2 submissions from 2 submitters: Likely benign (2). Last evaluated 2026-06-22.

Conditions:
Retinoblastoma (RB1). Also called: RETINOBLASTOMA, SOMATIC. Identifiers: Orphanet 790, MedGen C0035335, MeSH D012175, MONDO:0008380, OMIM 180200, HP:0009919. Disease mechanism: loss of function. Inheritance: Both sporadic and heritable forms are tested..

Submissions (2):

Myriad Genetics, Inc.
Classification: Likely benign for Retinoblastoma. Last evaluated: 2026-06-22. Review status: criteria provided, single submitter. Criteria: Myriad Autosomal Dominant, Autosomal Recessive and X-Linked Classification Criteria (2023). Collection method: clinical testing. Allele origin: unknown.
Comment: This variant is considered likely benign. This variant is intronic and is not expected to impact mRNA splicing.

Labcorp Genetics (formerly Invitae), Labcorp
Classification: Likely benign for Retinoblastoma. Last evaluated: 2024-07-17. Review status: criteria provided, single submitter. Criteria: Invitae Variant Classification Sherloc (09022015). Collection method: clinical testing. Allele origin: germline.

NM_000321.3(RB1):c.2521-18G>A

Gene: RB1 (RB transcriptional corepressor 1; plus strand). Cytogenetic location: 13q14.2.
Variant type: single nucleotide variant.
Coding change: c.2521-18G>A on transcript NM_000321.3 (MANE Select); 18 bases into the intron before coding-DNA position 2521, G replaced by A.
Molecular consequence: intron variant.
Genome position (GRCh38, 1-based): chr13:48,476,683, G>A. VCF-style: chr13-48476683-G-A. GRCh37 (hg19) VCF-style: chr13-49050819-G-A.
Other names: c.2521-18G>A (NM_001407165.1); c.-30-18G>A (NM_001407168.1).
Identifiers: ClinVar variation 3687625 (VCV003687625.3).